The following is an entry in ClinVar:

NM_000256.3(MYBPC3):c.310del (p.Leu104fs)

Gene: MYBPC3 (myosin binding protein C3; minus strand). Cytogenetic location: 11p11.2.
Variant type: Deletion.
Coding change: c.310del on transcript NM_000256.3 (MANE Select); coding-DNA position 310, one base deleted (C; older notation c.310delC).
Protein change: p.Leu104fs; shifts the reading frame from leucine 104.
Molecular consequence: frameshift variant.
Genome position (GRCh38, 1-based): chr11:47,350,598, G deleted on the plus strand (C on the coding strand, the reverse complement: MYBPC3 is on the minus strand). VCF-style (leftmost placement, unchanged base first): chr11-47350597-AG-A. GRCh37 (hg19) VCF-style: chr11-47372148-AG-A.
Other names: c.310delC (NM_000256.3); c.310del, p.Leu104fs (LRG_386t1); short protein forms L104fs.
Identifiers: ClinVar variation 567779 (VCV000567779.11), dbSNP rs1565631428, ClinGen allele CA891842484.

ClinVar aggregate classification (germline): Pathogenic. Review status: criteria provided, multiple submitters, no conflicts (2 of 4 stars). 2 submissions from 2 submitters: Pathogenic (2). Last evaluated 2025-09-20.

Conditions:
Cardiovascular phenotype. Identifiers: MedGen CN230736.
Hypertrophic cardiomyopathy. Also called: HYPERTROPHIC MYOCARDIOPATHY. Identifiers: Orphanet 217569, MedGen C0007194, MeSH D002312, MONDO:0005045, HP:0001639.

Submissions (2):

Labcorp Genetics (formerly Invitae), Labcorp
Classification: Pathogenic for Hypertrophic cardiomyopathy. Last evaluated: 2025-09-20. Review status: criteria provided, single submitter. Criteria: Invitae Variant Classification Sherloc (09022015). Collection method: clinical testing. Allele origin: germline.
Comment: This sequence change creates a premature translational stop signal (p.Leu104Trpfs*55) in the MYBPC3 gene. It is expected to result in an absent or disrupted protein product. Loss-of-function variants in MYBPC3 are known to be pathogenic (PMID: 19574547). This variant is not present in population databases (gnomAD no frequency). This variant has not been reported in the literature in individuals affected with MYBPC3-related conditions. ClinVar contains an entry for this variant (Variation ID: 567779). For these reasons, this variant has been classified as Pathogenic.

Ambry Genetics
Classification: Pathogenic for Cardiovascular phenotype. Last evaluated: 2020-06-30. Review status: criteria provided, single submitter. Criteria: Ambry Variant Classification Scheme 2023. Collection method: clinical testing. Allele origin: germline.
Comment: The c.310delC pathogenic mutation, located in coding exon 3 of the MYBPC3 gene, results from a deletion of one nucleotide at nucleotide position 310, causing a translational frameshift with a predicted alternate stop codon (p.L104Wfs*55). This alteration is expected to result in loss of function by premature protein truncation or nonsense-mediated mRNA decay. As such, this alteration is interpreted as a disease-causing mutation.

Literature cited by the submitters: PubMed 19574547 (cited by Labcorp Genetics (formerly Invitae), Labcorp).